The following is an entry in ClinVar:

NM_003848.4(SUCLG2):c.226+6C>G

Gene: SUCLG2 (succinate-CoA ligase GDP-forming subunit beta; minus strand). Cytogenetic location: 3p14.1.
Variant type: single nucleotide variant.
Coding change: c.226+6C>G on transcript NM_003848.4 (MANE Select); 6 bases into the intron after coding-DNA position 226, C replaced by G.
Molecular consequence: intron variant.
Genome position (GRCh38, 1-based): chr3:67,609,449, G>C on the plus strand (C>G on the coding strand, the complement: SUCLG2 is on the minus strand). VCF-style: chr3-67609449-G-C. GRCh37 (hg19) VCF-style: chr3-67659873-G-C.
Other names: c.226+6C>G (NM_001177599.2).
Identifiers: ClinVar variation 3706108 (VCV003706108.2).
Genomic context (GRCh38, chr3:67,609,449, plus strand): 5'-GGAAGCCACTACCTGTGAATTCACTGATTTGGGCAAGTGTATTTCACCCATTATGAATCA[G>C]CTTACTTAGTCTCTTAGCAGCCTCGAGAGCTTCATTTGCAGTGTCTGCTACAAAGAATCT-3'

ClinVar aggregate classification (germline): Uncertain significance (1 of 4 stars; one submission).

gnomAD v4.1: 52 of 1,610,062 alleles (0.0032%); highest among the groups gnomAD compares: South Asian, 0.031%; no homozygotes.

Submission:

Labcorp Genetics (formerly Invitae), Labcorp
Classification: Uncertain significance. Last evaluated: 2024-11-14. Review status: criteria provided, single submitter. Criteria: Invitae Variant Classification Sherloc (09022015). Collection method: clinical testing. Allele origin: germline.
Comment: This sequence change falls in intron 2 of the SUCLG2 gene. It does not directly change the encoded amino acid sequence of the SUCLG2 protein. It affects a nucleotide within the consensus splice site. This variant is present in population databases (rs750445350, gnomAD 0.03%). This variant has not been reported in the literature in individuals affected with SUCLG2-related conditions. Variants that disrupt the consensus splice site are a relatively common cause of aberrant splicing (PMID: 17576681, 9536098). Algorithms developed to predict the effect of sequence changes on RNA splicing suggest that this variant may disrupt the consensus splice site. In summary, the available evidence is currently insufficient to determine the role of this variant in disease. Therefore, it has been classified as a Variant of Uncertain Significance.

Literature cited by the submitters: PubMed 17576681; PubMed 9536098.